The following is an entry in ClinVar:

ClinVar aggregate classification (germline): Uncertain significance (1 of 4 stars; one submission).

Conditions:
Cardiovascular phenotype. Identifiers: MedGen CN230736.

Allele frequency attached by ClinVar (database versions not stated): gnomAD 0.00001; TOPMed 0.00001; ESP Exome Variant Server 0.00008.
gnomAD v4.1: 16 of 1,613,206 alleles (0.00099%); highest among the groups gnomAD compares: Non-Finnish European, 0.0012%; no homozygotes.

Submission:

Ambry Genetics
Classification: Uncertain significance for Cardiovascular phenotype. Last evaluated: 2023-09-25. Review status: criteria provided, single submitter. Criteria: Ambry Variant Classification Scheme 2023. Collection method: clinical testing. Allele origin: germline.
Comment: The p.D100E variant (also known as c.300C>A), located in coding exon 2 of the LMF1 gene, results from a C to A substitution at nucleotide position 300. The aspartic acid at codon 100 is replaced by glutamic acid, an amino acid with highly similar properties. This amino acid position is conserved. In addition, this alteration is predicted to be tolerated by in silico analysis. Since supporting evidence is limited at this time, the clinical significance of this alteration remains unclear.

NM_022773.4(LMF1):c.300C>A (p.Asp100Glu)

Gene: LMF1 (lipase maturation factor 1; minus strand). Cytogenetic location: 16p13.3.
Variant type: single nucleotide variant.
Coding change: c.300C>A on transcript NM_022773.4 (MANE Select); coding-DNA position 300, C replaced by A.
Protein change: p.Asp100Glu; replaces aspartic acid 100 with glutamic acid.
Molecular consequence: missense variant. On other transcripts: 5 prime UTR variant (4), non-coding transcript variant (1).
Genome position (GRCh38, 1-based): chr16:954,560, G>T on the plus strand (C>A on the coding strand, the complement: LMF1 is on the minus strand). VCF-style: chr16-954560-G-T. GRCh37 (hg19) VCF-style: chr16-1004560-G-T.
Other names: c.-504C>A (NM_001352017.2); c.-255C>A (NM_001352018.2); c.-28C>A (NM_001352019.2); c.300C>A, p.Asp100Glu (NM_001352020.1); c.-406C>A (NM_001352021.2); short protein forms D100E.
Identifiers: ClinVar variation 3227811 (VCV003227811.1), dbSNP rs369424855, ClinGen allele CA7797694.
Genomic context (GRCh38, chr16:954,560, plus strand): 5'-TGACCAGTCCATCAGCCAGAGGATGGTGGGCATGTAGCTGAAGACTTCCCAGCTCGTCCT[G>T]TCCTGGAAGTACTGCTGGAAGTTCTTCAGGAACACTCTGCAGGGAAGCAGCCCCCTGTCA-3'
Protein context (NP_073610.2, residues 90-110): FLKNFQQYFQ[Asp100Glu]RTSWEVFSYM